The following is an entry in ClinVar:

ClinVar aggregate classification (germline): Uncertain significance (1 of 4 stars; one submission).

Conditions:
Combined immunodeficiency due to MALT1 deficiency. Also called: Immunodeficiency 12. Identifiers: Orphanet 397964, MedGen C3809583, MONDO:0014197, OMIM 615468.

Allele frequency attached by ClinVar (database versions not stated): gnomAD exomes 0.00001 and 0.00002; ExAC 0.00003.
gnomAD v4.1: 7 of 1,613,404 alleles (0.00043%); highest among the groups gnomAD compares: Middle Eastern, 0.017%; no homozygotes.

Submission:

Labcorp Genetics (formerly Invitae), Labcorp
Classification: Uncertain significance for Combined immunodeficiency due to MALT1 deficiency. Last evaluated: 2022-02-11. Review status: criteria provided, single submitter. Criteria: Invitae Variant Classification Sherloc (09022015). Collection method: clinical testing. Allele origin: germline.
Comment: This sequence change replaces leucine, which is neutral and non-polar, with phenylalanine, which is neutral and non-polar, at codon 122 of the MALT1 protein (p.Leu122Phe). This variant is present in population databases (rs752277906, gnomAD 0.01%). This variant has not been reported in the literature in individuals affected with MALT1-related conditions. Algorithms developed to predict the effect of missense changes on protein structure and function (SIFT, PolyPhen-2, Align-GVGD) all suggest that this variant is likely to be tolerated. In summary, the available evidence is currently insufficient to determine the role of this variant in disease. Therefore, it has been classified as a Variant of Uncertain Significance.

NM_006785.4(MALT1):c.364C>T (p.Leu122Phe)

Gene: MALT1 (MALT1 paracaspase; plus strand). Cytogenetic location: 18q21.32.
Variant type: single nucleotide variant.
Coding change: c.364C>T on transcript NM_006785.4 (MANE Select); coding-DNA position 364, C replaced by T.
Protein change: p.Leu122Phe; replaces leucine 122 with phenylalanine.
Molecular consequence: missense variant.
Genome position (GRCh38, 1-based): chr18:58,681,324, C>T. VCF-style: chr18-58681324-C-T. GRCh37 (hg19) VCF-style: chr18-56348556-C-T.
Other names: c.364C>T, p.Leu122Phe (NM_173844.3); short protein forms L122F.
Identifiers: ClinVar variation 1348642 (VCV001348642.6), dbSNP rs752277906, ClinGen allele CA8977613.
Genomic context (GRCh38, chr18:58,681,324, plus strand): 5'-ACAGTCACAGAATTGAGTGATTTCCTGCAGGCTATGGAACACACTGAAGTTCTTCAGCTT[C>T]TCAGCCCCCCAGGTAGGTTTTGTTCTTAGGATTATTCTCCAGGAGTTCATGGAGCCAAAC-3'
Protein context (NP_006776.1, residues 112-132): AMEHTEVLQL[Leu122Phe]SPPGIKITVN